The following is an entry in ClinVar:

ClinVar aggregate classification (germline): Uncertain significance (1 of 4 stars; one submission).

Submission:

Labcorp Genetics (formerly Invitae), Labcorp
Classification: Uncertain significance. Last evaluated: 2024-10-29. Review status: criteria provided, single submitter. Criteria: Invitae Variant Classification Sherloc (09022015). Collection method: clinical testing. Allele origin: germline.
Comment: This sequence change replaces proline, which is neutral and non-polar, with leucine, which is neutral and non-polar, at codon 3243 of the KMT2A protein (p.Pro3243Leu). This variant is not present in population databases (gnomAD no frequency). This variant has not been reported in the literature in individuals affected with KMT2A-related conditions. Invitae Evidence Modeling of protein sequence and biophysical properties (such as structural, functional, and spatial information, amino acid conservation, physicochemical variation, residue mobility, and thermodynamic stability) indicates that this missense variant is not expected to disrupt KMT2A protein function with a negative predictive value of 95%. In summary, the available evidence is currently insufficient to determine the role of this variant in disease. Therefore, it has been classified as a Variant of Uncertain Significance.

NM_001197104.2(KMT2A):c.9728C>T (p.Pro3243Leu)

Gene: KMT2A (lysine methyltransferase 2A; plus strand). Cytogenetic location: 11q23.3.
Variant type: single nucleotide variant.
Coding change: c.9728C>T on transcript NM_001197104.2 (MANE Select); coding-DNA position 9728, C replaced by T.
Protein change: p.Pro3243Leu; replaces proline 3243 with leucine.
Molecular consequence: missense variant.
Genome position (GRCh38, 1-based): chr11:118,505,620, C>T. VCF-style: chr11-118505620-C-T. GRCh37 (hg19) VCF-style: chr11-118376335-C-T.
Other names: c.9818C>T, p.Pro3273Leu (NM_001412597.1); c.9719C>T, p.Pro3240Leu (NM_005933.4); short protein forms P3243L, P3240L, P3273L.
Identifiers: ClinVar variation 2710097 (VCV002710097.3), dbSNP rs2497022371, ClinGen allele CA382821521.